The following is an entry in ClinVar:

NM_001368067.1(LDB3):c.405C>A (p.His135Gln)

Genes: LDB3 (LIM domain binding 3; plus strand), LOC110121486 (VISTA enhancer hs2143; plus strand). Cytogenetic location: 10q23.2.
Variant type: single nucleotide variant.
Coding change: c.405C>A on transcript NM_001368067.1 (MANE Plus Clinical); coding-DNA position 405, C replaced by A.
Protein change: p.His135Gln; replaces histidine 135 with glutamine.
Molecular consequence: missense variant. On other transcripts: intron variant (5).
Genome position (GRCh38, 1-based): chr10:86,687,129, C>A. VCF-style: chr10-86687129-C-A. GRCh37 (hg19) VCF-style: chr10-88446886-C-A.
Other names: c.405C>A, p.His135Gln (NM_001080114.2, NM_001080116.1, NM_001368066.1 and 1 more transcripts); c.750C>A, p.His250Gln (NM_001171610.2, NM_001171611.2); c.690-4767C>A (NM_001368064.1, NM_001368063.1, NM_007078.3 and 2 more transcripts); short protein forms H135Q, H250Q.
Identifiers: ClinVar variation 1444416 (VCV001444416.9), dbSNP rs928294708, ClinGen allele CA211181142.

ClinVar aggregate classification (germline): Uncertain significance. Review status: criteria provided, multiple submitters, no conflicts (2 of 4 stars). 2 submissions from 2 submitters: Uncertain significance (2). Last evaluated 2024-12-30.

Conditions:
Myofibrillar myopathy 4. Also called: Zaspopathy (type). Identifiers: Orphanet 98912, MedGen C4721886, MONDO:0012277, OMIM 609452.

Allele frequency attached by ClinVar (database versions not stated): gnomAD 0.00001; TOPMed 0.00002.
gnomAD v4.1: 3 of 1,614,122 alleles (0.00019%); highest among the groups gnomAD compares: African/African-American, 0.004%; no homozygotes.

Submissions (2):

Labcorp Genetics (formerly Invitae), Labcorp
Classification: Uncertain significance for Myofibrillar myopathy 4. Last evaluated: 2024-12-30. Review status: criteria provided, single submitter. Criteria: Invitae Variant Classification Sherloc (09022015). Collection method: clinical testing. Allele origin: germline.
Comment: This sequence change replaces histidine, which is basic and polar, with glutamine, which is neutral and polar, at codon 135 of the LDB3 protein (p.His135Gln). This variant is not present in population databases (gnomAD no frequency). This variant has not been reported in the literature in individuals affected with LDB3-related conditions. ClinVar contains an entry for this variant (Variation ID: 1444416). An algorithm developed to predict the effect of missense changes on protein structure and function (PolyPhen-2) suggests that this variant is likely to be tolerated. In summary, the available evidence is currently insufficient to determine the role of this variant in disease. Therefore, it has been classified as a Variant of Uncertain Significance.

Breakthrough Genomics
Classification: Uncertain significance. Review status: criteria provided, single submitter. Criteria: ACMG Guidelines, 2015. Collection method: not provided. Allele origin: germline. Inheritance: Autosomal dominant inheritance. Affected: yes.